The following is an entry in ClinVar:

ClinVar aggregate classification (germline): Uncertain significance. Review status: criteria provided, multiple submitters, no conflicts (2 of 4 stars). 2 submissions from 2 submitters: Uncertain significance (2). Last evaluated 2024-11-25.

Conditions:
Adams-Oliver syndrome 5 (AOS5). Identifiers: Orphanet 974, MedGen C4014970, MONDO:0014459, OMIM 616028.
Familial thoracic aortic aneurysm and aortic dissection (TAAD). Also called: Thoracic aortic aneurysms and dissections. Identifiers: Orphanet 91387, MedGen C4707243, MONDO:0019625.

Allele frequency attached by ClinVar (database versions not stated): gnomAD exomes below 0.00001; gnomAD 0.00001; TOPMed 0.00001.
gnomAD v4.1: 8 of 1,612,834 alleles (0.0005%); highest among the groups gnomAD compares: Non-Finnish European, 0.00068%; no homozygotes.

Submissions (2):

Labcorp Genetics (formerly Invitae), Labcorp
Classification: Uncertain significance for Adams-Oliver syndrome 5. Last evaluated: 2024-11-25. Review status: criteria provided, single submitter. Criteria: Invitae Variant Classification Sherloc (09022015). Collection method: clinical testing. Allele origin: germline.
Comment: This sequence change replaces cysteine, which is neutral and slightly polar, with tyrosine, which is neutral and polar, at codon 855 of the NOTCH1 protein (p.Cys855Tyr). This variant is present in population databases (no rsID available, gnomAD 0.007%). This variant has not been reported in the literature in individuals affected with NOTCH1-related conditions. ClinVar contains an entry for this variant (Variation ID: 520093). Invitae Evidence Modeling of protein sequence and biophysical properties (such as structural, functional, and spatial information, amino acid conservation, physicochemical variation, residue mobility, and thermodynamic stability) indicates that this missense variant is expected to disrupt NOTCH1 protein function with a positive predictive value of 95%. In summary, the available evidence is currently insufficient to determine the role of this variant in disease. Therefore, it has been classified as a Variant of Uncertain Significance.

Ambry Genetics
Classification: Uncertain significance for Familial thoracic aortic aneurysm and aortic dissection. Last evaluated: 2024-02-25. Review status: criteria provided, single submitter. Criteria: Ambry Variant Classification Scheme 2023. Collection method: clinical testing. Allele origin: germline.
Comment: The p.C855Y variant (also known as c.2564G>A), located in coding exon 16 of the NOTCH1 gene, results from a G to A substitution at nucleotide position 2564. The cysteine at codon 855 is replaced by tyrosine, an amino acid with highly dissimilar properties. This amino acid position is highly conserved in available vertebrate species. In addition, this alteration is predicted to be deleterious by in silico analysis. Since supporting evidence is limited at this time, the clinical significance of this alteration remains unclear.

NM_017617.5(NOTCH1):c.2564G>A (p.Cys855Tyr)

Gene: NOTCH1 (notch receptor 1; minus strand). Cytogenetic location: 9q34.3.
Variant type: single nucleotide variant.
Coding change: c.2564G>A on transcript NM_017617.5 (MANE Select); coding-DNA position 2564, G replaced by A.
Protein change: p.Cys855Tyr; replaces cysteine 855 with tyrosine.
Molecular consequence: missense variant.
Genome position (GRCh38, 1-based): chr9:136,511,175, C>T on the plus strand (G>A on the coding strand, the complement: NOTCH1 is on the minus strand). VCF-style: chr9-136511175-C-T. GRCh37 (hg19) VCF-style: chr9-139405627-C-T.
Other names: c.2564G>A, p.Cys855Tyr (LRG_1122t1); short protein forms C855Y.
Identifiers: ClinVar variation 520093 (VCV000520093.8), dbSNP rs759862433, ClinGen allele CA375555234.
Genomic context (GRCh38, chr9:136,511,175, plus strand): 5'-CCCATCCCAGCCCTCACCGGGCCCTGGCCAGCCTCACCTTGCCAGCCCGTGGGGCAGACA[C>T]AGGAGAAGCTCTCATAGTCCTCGGATTGCCTGCACTCCCCGCCGTTTCTGCAGGGGCTGG-3'
Protein context (NP_060087.3, residues 845-865): RQSEDYESFS[Cys855Tyr]VCPTGWQGQT